The following is an entry in ClinVar:

ClinVar aggregate classification (germline): Pathogenic. Review status: criteria provided, multiple submitters, no conflicts (2 of 4 stars). 3 submissions from 3 submitters: Pathogenic (3). Last evaluated 2024-06-23.

Conditions:
Interstitial lung disease due to ABCA3 deficiency. Also called: PULMONARY ALVEOLAR PROTEINOSIS, CONGENITAL, 3. Identifiers: Orphanet 440402, MedGen C1970456, MONDO:0012582, OMIM 610921.

Allele frequency attached by ClinVar (database versions not stated): TOPMed below 0.00001; ExAC 0.00001; gnomAD exomes below 0.00001.
gnomAD v4.1: 3 of 1,614,120 alleles (0.00019%); highest among the groups gnomAD compares: Admixed American, 0.0017%; no homozygotes.

Submissions (3):

Fulgent Genetics
Classification: Pathogenic for Interstitial lung disease due to ABCA3 deficiency. Last evaluated: 2024-06-23. Review status: criteria provided, single submitter. Criteria: ACMG Guidelines, 2015. Collection method: clinical testing. Allele origin: germline.

Myriad Genetics, Inc.
Classification: Pathogenic for Interstitial lung disease due to ABCA3 deficiency. Last evaluated: 2024-05-18. Review status: criteria provided, single submitter. Criteria: Myriad Autosomal Dominant, Autosomal Recessive and X-Linked Classification Criteria (2023). Collection method: clinical testing. Allele origin: unknown.
Comment: NM_001089.2(ABCA3):c.1303C>T(R435*) is expected to be pathogenic in the context of surfactant deficiency, ABCA3-related. This variant is predicted to lead to an abnormal or absent protein product due to the creation of a premature termination codon in ABCA3, a gene where loss-of-function variants are known to be pathogenic. Please note: this variant was assessed in the context of healthy population screening.

Labcorp Genetics (formerly Invitae), Labcorp
Classification: Pathogenic. Last evaluated: 2023-11-09. Review status: criteria provided, single submitter. Criteria: Invitae Variant Classification Sherloc (09022015). Collection method: clinical testing. Allele origin: germline.
Comment: This sequence change creates a premature translational stop signal (p.Arg435*) in the ABCA3 gene. It is expected to result in an absent or disrupted protein product. Loss-of-function variants in ABCA3 are known to be pathogenic (PMID: 27516224). This variant is present in population databases (rs750071923, gnomAD 0.003%). This premature translational stop signal has been observed in individual(s) with clinical features of autosomal recessive ABCA3-related conditions (PMID: 24871971). For these reasons, this variant has been classified as Pathogenic.

Literature cited by the submitters: PubMed 27516224 (cited by Labcorp Genetics (formerly Invitae), Labcorp); PubMed 24871971 (cited by Labcorp Genetics (formerly Invitae), Labcorp).

NM_001089.3(ABCA3):c.1303C>T (p.Arg435Ter)

Gene: ABCA3 (ATP binding cassette subfamily A member 3; minus strand). Cytogenetic location: 16p13.3.
Variant type: single nucleotide variant.
Coding change: c.1303C>T on transcript NM_001089.3 (MANE Select); coding-DNA position 1303, C replaced by T.
Protein change: p.Arg435Ter; replaces arginine 435 with a stop codon.
Molecular consequence: nonsense.
Genome position (GRCh38, 1-based): chr16:2,304,133, G>A on the plus strand (C>T on the coding strand, the complement: ABCA3 is on the minus strand). VCF-style: chr16-2304133-G-A. GRCh37 (hg19) VCF-style: chr16-2354134-G-A.
Other names: short protein forms R435*.
Identifiers: ClinVar variation 2910398 (VCV002910398.5), dbSNP rs750071923, ClinGen allele CA7841278.